The following is an entry in ClinVar:

NM_001367561.1(DOCK7):c.2507A>C (p.His836Pro)

Gene: DOCK7 (dedicator of cytokinesis 7; minus strand). Cytogenetic location: 1p31.3.
Variant type: single nucleotide variant.
Coding change: c.2507A>C on transcript NM_001367561.1 (MANE Select); coding-DNA position 2507, A replaced by C.
Protein change: p.His836Pro; replaces histidine 836 with proline.
Molecular consequence: missense variant.
Genome position (GRCh38, 1-based): chr1:62,555,914, T>G on the plus strand (A>C on the coding strand, the complement: DOCK7 is on the minus strand). VCF-style: chr1-62555914-T-G. GRCh37 (hg19) VCF-style: chr1-63021585-T-G.
Other names: c.2507A>C, p.His836Pro (NM_001271999.2, NM_001272000.2, NM_001272001.2 and 2 more transcripts); short protein forms H836P.
Identifiers: ClinVar variation 5008454 (VCV005008454.1).

ClinVar aggregate classification (germline): Uncertain significance (1 of 4 stars; one submission).

gnomAD v4.1: 6 of 1,613,856 alleles (0.00037%); highest among the groups gnomAD compares: Admixed American, 0.0083%; no homozygotes.

Submission:

GeneDx
Classification: Uncertain significance. Last evaluated: 2026-03-06. Review status: criteria provided, single submitter. Criteria: GeneDx Variant Classification Process June 2021. Collection method: clinical testing. Allele origin: germline.
Comment: Not observed at significant frequency in large population cohorts (gnomAD); In silico analysis suggests that this missense variant does not alter protein structure/function; Has not been previously published as pathogenic or benign to our knowledge